The following is an entry in ClinVar:

ClinVar aggregate classification (germline): Likely benign (0 of 4 stars; one submission).

Conditions:
SLC25A4-related disorder. Also called: SLC25A4-related condition.

Allele frequency attached by ClinVar (database versions not stated): ExAC 0.00001; TOPMed 0.00001; gnomAD 0.00003; ESP Exome Variant Server 0.00008.
gnomAD v4.1: 6 of 1,614,056 alleles (0.00037%); highest among the groups gnomAD compares: African/African-American, 0.008%; no homozygotes.

Submission:

PreventionGenetics, part of Exact Sciences
Classification: Likely benign for SLC25A4-related condition. Last evaluated: 2021-12-30. Review status: no assertion criteria provided. Collection method: clinical testing. Allele origin: germline.
Comment: This variant is classified as likely benign based on ACMG/AMP sequence variant interpretation guidelines (Richards et al. 2015 PMID: 25741868, with internal and published modifications).

NM_001151.4(SLC25A4):c.651C>A (p.Ala217=)

Gene: SLC25A4 (solute carrier family 25 member 4; plus strand). Cytogenetic location: 4q35.1.
Variant type: single nucleotide variant.
Coding change: c.651C>A on transcript NM_001151.4 (MANE Select); coding-DNA position 651, C replaced by A.
Protein change: p.Ala217=; no amino-acid change (alanine 217 retained).
Molecular consequence: synonymous variant.
Genome position (GRCh38, 1-based): chr4:185,145,811, C>A. VCF-style: chr4-185145811-C-A. GRCh37 (hg19) VCF-style: chr4-186066965-C-A.
Identifiers: ClinVar variation 3061730 (VCV003061730.2), dbSNP rs368649185, ClinGen allele CA3156544.